The following is an entry in ClinVar:

ClinVar aggregate classification (germline): Uncertain significance (1 of 4 stars; one submission).

Conditions:
Saldino-Mainzer syndrome (SRTD9). Also called: CONORENAL SYNDROME; SHORT-RIB THORACIC DYSPLASIA 9 WITHOUT POLYDACTYLY; short-rib thoracic dysplasia 9 with or without polydactyly; Renal dysplasia, retinal pigmentary dystrophy, cerebellar ataxia and skeletal dysplasia. Identifiers: Orphanet 140969, MedGen C1849437, MONDO:0009964, OMIM 266920.

Allele frequency attached by ClinVar (database versions not stated): TOPMed 0.00001; gnomAD 0.00002; gnomAD exomes 0.00002 and 0.00004; ExAC 0.00003.
gnomAD v4.1: 14 of 1,611,618 alleles (0.00087%); highest among the groups gnomAD compares: Admixed American, 0.02%; no homozygotes.

Submission:

Labcorp Genetics (formerly Invitae), Labcorp
Classification: Uncertain significance for Saldino-Mainzer syndrome. Last evaluated: 2025-09-02. Review status: criteria provided, single submitter. Criteria: Invitae Variant Classification Sherloc (09022015). Collection method: clinical testing. Allele origin: germline.
Comment: This sequence change replaces cysteine, which is neutral and slightly polar, with tyrosine, which is neutral and polar, at codon 1046 of the IFT140 protein (p.Cys1046Tyr). This variant is present in population databases (rs752148006, gnomAD 0.03%). This variant has not been reported in the literature in individuals affected with IFT140-related conditions. ClinVar contains an entry for this variant (Variation ID: 940894). Invitae Evidence Modeling of protein sequence and biophysical properties (such as structural, functional, and spatial information, amino acid conservation, physicochemical variation, residue mobility, and thermodynamic stability) has been performed for this missense variant. However, the output from this modeling did not meet the statistical confidence thresholds required to predict the impact of this variant on IFT140 protein function. In summary, the available evidence is currently insufficient to determine the role of this variant in disease. Therefore, it has been classified as a Variant of Uncertain Significance.

NM_014714.4(IFT140):c.3137G>A (p.Cys1046Tyr)

Genes: IFT140 (intraflagellar transport 140; minus strand), LOC126862260 (CDK7 strongly-dependent group 2 enhancer GRCh37_chr16:1574508-1575707; plus strand). Cytogenetic location: 16p13.3.
Variant type: single nucleotide variant.
Coding change: c.3137G>A on transcript NM_014714.4 (MANE Select); coding-DNA position 3137, G replaced by A.
Protein change: p.Cys1046Tyr; replaces cysteine 1046 with tyrosine.
Molecular consequence: missense variant.
Genome position (GRCh38, 1-based): chr16:1,524,556, C>T on the plus strand (G>A on the coding strand, the complement: IFT140 is on the minus strand). VCF-style: chr16-1524556-C-T. GRCh37 (hg19) VCF-style: chr16-1574557-C-T.
Other names: short protein forms C1046Y.
Identifiers: ClinVar variation 940894 (VCV000940894.9), dbSNP rs752148006, ClinGen allele CA7813304.
Genomic context (GRCh38, chr16:1,524,556, plus strand): 5'-AGCTCTCCTCAGGGGACCTCGAGAAGCGCCGGCTCCCCACCCCGGGCCCGTGGTACCTTG[C>T]ACAGGCGGATGGCATTCTTGAAGGCCTGTGCCCGGGTGTAGAAGTGCACCGCCTGCCCGA-3'
Protein context (NP_055529.2, residues 1036-1056): AQAFKNAIRL[Cys1046Tyr]KENGLDDQLM